The following is an entry in ClinVar:

ClinVar aggregate classification (germline): Likely benign. Review status: criteria provided, multiple submitters, no conflicts (2 of 4 stars). 2 submissions from 2 submitters: Likely benign (2). Last evaluated 2024-02-22.

Conditions:
Joubert syndrome. Also called: CEREBELLOPARENCHYMAL DISORDER IV; JOUBERT-BOLTSHAUSER SYNDROME; Familial aplasia of the vermis. Identifiers: Orphanet 475, MedGen C5979921, MONDO:0018772.
Orofaciodigital syndrome I (OFD1). Also called: OFDS I; Papillon-Leage and Psaume Syndrome; Oral-Facial-Digital Syndrome Type I. Identifiers: Orphanet 2750, MedGen C1510460, MONDO:0010702, OMIM 311200.

Allele frequency attached by ClinVar (database versions not stated): gnomAD exomes 0.00001.
gnomAD v4.1: 6 of 1,205,386 alleles (0.0005%); highest among the groups gnomAD compares: Non-Finnish European, 0.00067%; no homozygotes.

Submissions (2):

Labcorp Genetics (formerly Invitae), Labcorp
Classification: Likely benign for Orofaciodigital syndrome I; Joubert syndrome. Last evaluated: 2024-02-22. Review status: criteria provided, single submitter. Criteria: Invitae Variant Classification Sherloc (09022015). Collection method: clinical testing. Allele origin: germline.

GeneDx
Classification: Likely benign. Last evaluated: 2017-09-21. Review status: criteria provided, single submitter. Criteria: GeneDx Variant Classification (06012015). Collection method: clinical testing. Allele origin: germline. Affected: yes.
Comment: This variant is considered likely benign or benign based on one or more of the following criteria: it is a conservative change, it occurs at a poorly conserved position in the protein, it is predicted to be benign by multiple in silico algorithms, and/or has population frequency not consistent with disease.

NM_003611.3(OFD1):c.2600-5A>G

Gene: OFD1 (OFD1 centriole and centriolar satellite protein; plus strand). Cytogenetic location: Xp22.2.
Variant type: single nucleotide variant.
Coding change: c.2600-5A>G on transcript NM_003611.3 (MANE Select); 5 bases into the intron before coding-DNA position 2600, A replaced by G.
Molecular consequence: intron variant.
Genome position (GRCh38, 1-based): chrX:13,767,122, A>G. VCF-style: chrX-13767122-A-G. GRCh37 (hg19) VCF-style: chrX-13785241-A-G.
Other names: c.2180-5A>G (NM_001330210.2); c.2480-5A>G (NM_001330209.2).
Identifiers: ClinVar variation 516230 (VCV000516230.4), dbSNP rs1555908520, ClinGen allele CA658799589.